The following is an entry in ClinVar:

NM_000059.4(BRCA2):c.7007+911A>G

Gene: BRCA2 (BRCA2 DNA repair associated; plus strand). Cytogenetic location: 13q13.1.
Variant type: single nucleotide variant.
Coding change: c.7007+911A>G on transcript NM_000059.4 (MANE Select); 911 bases into the intron after coding-DNA position 7007, A replaced by G.
Molecular consequence: intron variant.
Genome position (GRCh38, 1-based): chr13:32,347,807, A>G. VCF-style: chr13-32347807-A-G. GRCh37 (hg19) VCF-style: chr13-32921944-A-G.
Other names: IVS 13+911A>G.
Identifiers: ClinVar variation 209723 (VCV000209723.2), dbSNP rs9567578, ClinGen allele CA276691.

ClinVar aggregate classification (germline): Benign. Review status: reviewed by expert panel (3 of 4 stars). 2 submissions from 2 submitters: Benign (1). 1 of the submissions does not count toward it. Last evaluated 2015-01-12.

Conditions:
Breast-ovarian cancer, familial, susceptibility to, 2 (BROVCA2). Also called: BRCA2 Hereditary Breast and Ovarian Cancer. Identifiers: Orphanet 145, MedGen C2675520, MONDO:0012933, OMIM 612555. Disease mechanism: loss of function.

Allele frequency attached by ClinVar (database versions not stated): gnomAD 0.28464 and 0.28243; 1000 Genomes Project 30x 0.25921; 1000 Genomes Project 0.26677; TOPMed 0.27342.
gnomAD v4.1: 43,164 of 152,068 alleles (28%); highest among the groups gnomAD compares: East Asian, 40%; 6,309 homozygotes.

Submissions (2):

Evidence-based Network for the Interpretation of Germline Mutant Alleles (ENIGMA)
Classification: Benign for Breast-ovarian cancer, familial 2. Last evaluated: 2015-01-12. Review status: reviewed by expert panel. Criteria: ENIGMA BRCA1/2 Classification Criteria (2015). Collection method: curation. Allele origin: germline.
Comment: Class 1 not pathogenic based on frequency >1% in an outbred sampleset. Frequency 0.3864 (Asian), 0.1707 (African), 0.2929 (European), derived from 1000 genomes (2012-04-30).

Breakthrough Genomics
Classification: Benign. Review status: criteria provided, single submitter. Criteria: ACMG Guidelines, 2015. Collection method: not provided. Allele origin: germline. Inheritance: Autosomal recessive inheritance. Affected: yes. Not counted in ClinVar's aggregate classification.